The following is an entry in ClinVar:

ClinVar aggregate classification (germline): Uncertain significance (1 of 4 stars; one submission).

Submission:

Labcorp Genetics (formerly Invitae), Labcorp
Classification: Uncertain significance. Last evaluated: 2025-01-09. Review status: criteria provided, single submitter. Criteria: Invitae Variant Classification Sherloc (09022015). Collection method: clinical testing. Allele origin: germline.
Comment: This sequence change replaces glutamine, which is neutral and polar, with proline, which is neutral and non-polar, at codon 170 of the HNF1A protein (p.Gln170Pro). This variant is not present in population databases (gnomAD no frequency). This missense change has been observed in individual(s) with clinical features of HNF1A-related conditions (PMID: 32086287). Invitae Evidence Modeling of protein sequence and biophysical properties (such as structural, functional, and spatial information, amino acid conservation, physicochemical variation, residue mobility, and thermodynamic stability) has been performed for this missense variant. However, the output from this modeling did not meet the statistical confidence thresholds required to predict the impact of this variant on HNF1A protein function. In summary, the available evidence is currently insufficient to determine the role of this variant in disease. Therefore, it has been classified as a Variant of Uncertain Significance.

Literature cited by the submitters: PubMed 32086287.

NM_000545.8(HNF1A):c.509A>C (p.Gln170Pro)

Gene: HNF1A (HNF1 homeobox A; plus strand). Cytogenetic location: 12q24.31.
Variant type: single nucleotide variant.
Coding change: c.509A>C on transcript NM_000545.8 (MANE Select); coding-DNA position 509, A replaced by C.
Protein change: p.Gln170Pro; replaces glutamine 170 with proline.
Molecular consequence: missense variant.
Genome position (GRCh38, 1-based): chr12:120,989,015, A>C. VCF-style: chr12-120989015-A-C. GRCh37 (hg19) VCF-style: chr12-121426818-A-C.
Other names: c.509A>C, p.Gln170Pro (NM_001306179.2, NM_001406915.1); short protein forms Q170P.
Identifiers: ClinVar variation 3705252 (VCV003705252.2).
Genomic context (GRCh38, chr12:120,989,015, plus strand): 5'-AGGGCACTCCCATGAAGACGCAGAAGCGGGCCGCCCTGTACACCTGGTACGTCCGCAAGC[A>C]GCGAGAGGTGGCGCAGCGTAAGTAATGACCCTACCCCGCATCTTCCCTGGGAGGGCCCAG-3'
Protein context (NP_000536.6, residues 160-180): AALYTWYVRK[Gln170Pro]REVAQQFTHA